The following is an entry in ClinVar:

NM_001267550.2(TTN):c.88721del (p.Arg29574fs)

Genes: TTN (titin; minus strand), TTN-AS1 (TTN antisense RNA 1; plus strand). Cytogenetic location: 2q31.2.
Variant type: Deletion.
Coding change: c.88721del on transcript NM_001267550.2 (MANE Select); coding-DNA position 88721, one base deleted (G; older notation c.88721delG).
Protein change: p.Arg29574fs; shifts the reading frame from arginine 29574.
Molecular consequence: frameshift variant.
Genome position (GRCh38, 1-based): chr2:178,554,626, C deleted on the plus strand (G on the coding strand, the reverse complement: TTN is on the minus strand). VCF-style (leftmost placement, unchanged base first): chr2-178554625-AC-A. GRCh37 (hg19) VCF-style: chr2-179419352-AC-A.
Other names: c.88721delG (NM_001267550.2); c.83798del, p.Arg27933fs (NM_001256850.1); c.61526del, p.Arg20509fs (NM_003319.4); c.81017del, p.Arg27006fs (NM_133378.4); c.61901del, p.Arg20634fs (NM_133432.3); c.62102del, p.Arg20701fs (NM_133437.4); short protein forms R20634fs, R20701fs, R20509fs, R27933fs, R29574fs, R27006fs.
Identifiers: ClinVar variation 659877 (VCV000659877.11), dbSNP rs1575547155, ClinGen allele CA915942186.
Genomic context (GRCh38, chr2:178,554,625, plus strand): 5'-TGTAATGATGCACTCTTCCAAATGTTCAGACACCATAGACCACACAACGCGGCTTGTCTC[AC>A]GCTTTTCCACAATGTAGTGAGTGATTTTTGCACCACCATCATCAGCTGGAGGCCGCCAGA-3'

ClinVar aggregate classification (germline): Likely pathogenic (1 of 4 stars; one submission).

Conditions:
Dilated cardiomyopathy 1G (CMD1G). Identifiers: Orphanet 154, MedGen C1858763, MONDO:0011400, OMIM 604145.
Autosomal recessive limb-girdle muscular dystrophy type 2J (LGMDR10). Also called: Limb-girdle muscular dystrophy, type 2J; MUSCULAR DYSTROPHY, LIMB-GIRDLE, AUTOSOMAL RECESSIVE 10. Identifiers: Orphanet 140922, MedGen C1837342, MONDO:0012127, OMIM 608807.

Submission:

Labcorp Genetics (formerly Invitae), Labcorp
Classification: Likely pathogenic for Dilated cardiomyopathy 1G; Autosomal recessive limb-girdle muscular dystrophy type 2J. Last evaluated: 2019-09-28. Review status: criteria provided, single submitter. Criteria: Invitae Variant Classification Sherloc (09022015). Collection method: clinical testing. Allele origin: germline.
Comment: This variant has not been reported in the literature in individuals with TTN-related disease. This variant is not present in population databases (ExAC no frequency). This sequence change results in a premature translational stop signal in the TTN gene (p.Arg29574Leufs*38). While this is not anticipated to result in nonsense mediated decay, it is expected to create a truncated TTN protein. This variant is located in the A band of TTN (PMID: 25589632). Truncating variants in this region are significantly overrepresented in patients affected with dilated cardiomyopathy (PMID: 25589632). Truncating variants in this region have also been reported in individuals affected with autosomal recessive centronuclear myopathy (PMID: 23975875). In summary, the currently available evidence indicates that the variant is pathogenic, but additional data are needed to prove that conclusively. Therefore, this variant has been classified as Likely Pathogenic.

Literature cited by the submitters: PubMed 25589632; PubMed 23975875.